The following is an entry in ClinVar:

NM_003737.4(DCHS1):c.5213G>A (p.Arg1738Gln)

Gene: DCHS1 (dachsous cadherin-related 1; minus strand). Cytogenetic location: 11p15.4.
Variant type: single nucleotide variant.
Coding change: c.5213G>A on transcript NM_003737.4 (MANE Select); coding-DNA position 5213, G replaced by A.
Protein change: p.Arg1738Gln; replaces arginine 1738 with glutamine.
Molecular consequence: missense variant.
Genome position (GRCh38, 1-based): chr11:6,628,779, C>T on the plus strand (G>A on the coding strand, the complement: DCHS1 is on the minus strand). VCF-style: chr11-6628779-C-T. GRCh37 (hg19) VCF-style: chr11-6650010-C-T.
Other names: c.5213G>A (NM_003737.3); short protein forms R1738Q.
Identifiers: ClinVar variation 2293220 (VCV002293220.3), dbSNP rs547292409, ClinGen allele CA5860145.

ClinVar aggregate classification (germline): Uncertain significance. Review status: criteria provided, multiple submitters, no conflicts (2 of 4 stars). 2 submissions from 2 submitters: Uncertain significance (2). Last evaluated 2026-03-04.

Conditions:
DCHS1-related disorder. Also called: DCHS1-related condition.
Inborn genetic diseases. Identifiers: MedGen C0950123, MeSH D030342.

Allele frequency attached by ClinVar (database versions not stated): TOPMed 0.00002; 1000 Genomes Project 30x 0.00016; 1000 Genomes Project 0.00020.
gnomAD v4.1: 15 of 1,613,962 alleles (0.00093%); highest among the groups gnomAD compares: Middle Eastern, 0.033%; no homozygotes.

Submissions (2):

PreventionGenetics, part of Exact Sciences
Classification: Uncertain significance for DCHS1-related condition. Last evaluated: 2026-03-04. Review status: criteria provided, single submitter. Criteria: ACMG Guidelines, 2015. Collection method: clinical testing. Allele origin: germline.
Comment: The DCHS1 c.5213G>A variant is predicted to result in the amino acid substitution p.Arg1738Gln. To our knowledge, this variant has not been reported in the literature or in a large population database (gnomAD), indicating this variant is rare. At this time, the clinical significance of this variant is uncertain due to the absence of conclusive functional and genetic evidence.

Ambry Genetics
Classification: Uncertain significance for Inborn genetic diseases. Last evaluated: 2022-05-31. Review status: criteria provided, single submitter. Criteria: Ambry Variant Classification Scheme 2023. Collection method: clinical testing. Allele origin: germline.